The following is an entry in ClinVar:

ClinVar aggregate classification (germline): Uncertain significance. Review status: criteria provided, multiple submitters, no conflicts (2 of 4 stars). 4 submissions from 4 submitters: Uncertain significance (4). Last evaluated 2026-07-23.

Conditions:
RHO-related disorder. Also called: RHO-related condition.

Allele frequency attached by ClinVar (database versions not stated): gnomAD exomes 0.00001 and 0.00004; ExAC 0.00005; gnomAD 0.00011 and 0.00012; TOPMed 0.00014; ESP Exome Variant Server 0.00015; 1000 Genomes Project 0.00060; 1000 Genomes Project 30x 0.00078.
gnomAD v4.1: 34 of 1,613,728 alleles (0.0021%); highest among the groups gnomAD compares: African/African-American, 0.036%; no homozygotes.

Submissions (4):

PreventionGenetics, part of Exact Sciences
Classification: Uncertain significance for RHO-related condition. Last evaluated: 2026-07-23. Review status: criteria provided, single submitter. Criteria: ACMG Guidelines, 2015. Collection method: clinical testing. Allele origin: germline.
Comment: The RHO c.299A>G variant is predicted to result in the amino acid substitution p.His100Arg. To our knowledge, this variant has not been reported in the literature. This variant is reported in 0.040% of alleles in individuals of African descent in gnomAD. At this time, the clinical significance of this variant is uncertain due to the absence of conclusive functional and genetic evidence.

Labcorp Genetics (formerly Invitae), Labcorp
Classification: Uncertain significance. Last evaluated: 2025-12-16. Review status: criteria provided, single submitter. Criteria: Invitae Variant Classification Sherloc (09022015). Collection method: clinical testing. Allele origin: germline.
Comment: This sequence change replaces histidine, which is basic and polar, with arginine, which is basic and polar, at codon 100 of the RHO protein (p.His100Arg). This variant is present in population databases (rs143735182, gnomAD 0.04%). This variant has not been reported in the literature in individuals affected with RHO-related conditions. ClinVar contains an entry for this variant (Variation ID: 1500491). Invitae Evidence Modeling of protein sequence and biophysical properties (such as structural, functional, and spatial information, amino acid conservation, physicochemical variation, residue mobility, and thermodynamic stability) indicates that this missense variant is not expected to disrupt RHO protein function with a negative predictive value of 95%. In summary, the available evidence is currently insufficient to determine the role of this variant in disease. Therefore, it has been classified as a Variant of Uncertain Significance.

Blueprint Genetics
Classification: Uncertain significance. Last evaluated: 2024-03-19. Review status: criteria provided, single submitter. Criteria: ACMG Guidelines, 2015. Collection method: clinical testing. Allele origin: germline.

GeneDx
Classification: Uncertain significance. Last evaluated: 2022-12-19. Review status: criteria provided, single submitter. Criteria: GeneDx Variant Classification Process June 2021. Collection method: clinical testing. Allele origin: germline. Affected: yes.
Comment: In silico analysis supports that this missense variant does not alter protein structure/function; Has not been previously published as pathogenic or benign to our knowledge

NM_000539.3(RHO):c.299A>G (p.His100Arg)

Gene: RHO (rhodopsin; plus strand). Cytogenetic location: 3q22.1.
Variant type: single nucleotide variant.
Coding change: c.299A>G on transcript NM_000539.3 (MANE Select); coding-DNA position 299, A replaced by G.
Protein change: p.His100Arg; replaces histidine 100 with arginine.
Molecular consequence: missense variant.
Genome position (GRCh38, 1-based): chr3:129,529,032, A>G. VCF-style: chr3-129529032-A-G. GRCh37 (hg19) VCF-style: chr3-129247875-A-G.
Other names: short protein forms H100R.
Identifiers: ClinVar variation 1500491 (VCV001500491.9), dbSNP rs143735182, ClinGen allele CA2607104.